The following is an entry in ClinVar:

NM_001128840.3(CACNA1D):c.661A>G (p.Thr221Ala)

Gene: CACNA1D (calcium voltage-gated channel subunit alpha1 D; plus strand). Cytogenetic location: 3p21.1.
Variant type: single nucleotide variant.
Coding change: c.661A>G on transcript NM_001128840.3 (MANE Select); coding-DNA position 661, A replaced by G.
Protein change: p.Thr221Ala; replaces threonine 221 with alanine.
Molecular consequence: missense variant.
Genome position (GRCh38, 1-based): chr3:53,660,170, A>G. VCF-style: chr3-53660170-A-G. GRCh37 (hg19) VCF-style: chr3-53694197-A-G.
Other names: c.661A>G, p.Thr221Ala (NM_000720.4, NM_001128839.3); short protein forms T221A.
Identifiers: ClinVar variation 2502633 (VCV002502633.1), dbSNP rs2094189654, ClinGen allele CA353382443.
Genomic context (GRCh38, chr3:53,660,170, plus strand): 5'-TCTTTCTCTTTCTCTTCTTTCAGATTGTTTAGTGTAATTTTGGAACAATTAACCAAAGAA[A>G]CAGAAGGCGGGAACCACTCAAGCGGCAAATCTGGAGGCTTTGATGTCAAAGCCCTCCGTG-3'
Protein context (NP_001122312.1, residues 211-231): SVILEQLTKE[Thr221Ala]EGGNHSSGKS

ClinVar aggregate classification (germline): Uncertain significance (1 of 4 stars; one submission).

Submission:

GeneDx
Classification: Uncertain significance. Last evaluated: 2022-11-22. Review status: criteria provided, single submitter. Criteria: GeneDx Variant Classification Process June 2021. Collection method: clinical testing. Allele origin: germline. Affected: yes.
Comment: Not observed at significant frequency in large population cohorts (gnomAD); In silico analysis supports that this missense variant does not alter protein structure/function; Has not been previously published as pathogenic or benign to our knowledge